The following is an entry in ClinVar:

NM_177438.3(DICER1):c.1605del (p.Arg536fs)

Gene: DICER1 (dicer 1, ribonuclease III; minus strand). Cytogenetic location: 14q32.13.
Variant type: Deletion.
Coding change: c.1605del on transcript NM_177438.3 (MANE Select); coding-DNA position 1605, one base deleted (T; older notation c.1605delT).
Protein change: p.Arg536fs; shifts the reading frame from arginine 536.
Molecular consequence: frameshift variant. On other transcripts: non-coding transcript variant (6), intron variant (1).
Genome position (GRCh38, 1-based): chr14:95,116,600, A deleted on the plus strand (T on the coding strand, the reverse complement: DICER1 is on the minus strand); the first of 2 consecutive A bases (chr14:95,116,600-95,116,601); deleting either gives the same sequence. VCF-style (leftmost placement, unchanged base first): chr14-95116599-GA-G. GRCh37 (hg19) VCF-style: chr14-95582936-GA-G.
Other names: c.1200del, p.Arg401fs (NM_001395696.1, NM_001395698.1, NM_001395687.1 and 3 more transcripts); c.1605del, p.Arg536fs (NM_030621.4, NM_001195573.1, NM_001271282.3 and 12 more transcripts); c.-59-20del (NM_001395697.1); c.1323del, p.Arg442fs (NM_001395686.1); c.1038del, p.Arg347fs (NM_001395691.1); short protein forms R401fs, R536fs, R347fs, R442fs.
Identifiers: ClinVar variation 4720934 (VCV004720934.1).

ClinVar aggregate classification (germline): Pathogenic (1 of 4 stars; one submission).

Conditions:
DICER1-related tumor predisposition. Also called: DICER1 syndrome; DICER1-related pleuropulmonary blastoma cancer predisposition syndrome. Identifiers: Orphanet 284343, MedGen C3839822, MONDO:0100216.

Submission:

Labcorp Genetics (formerly Invitae), Labcorp
Classification: Pathogenic for DICER1-related tumor predisposition. Last evaluated: 2025-06-08. Review status: criteria provided, single submitter. Criteria: Invitae Variant Classification Sherloc (09022015). Collection method: clinical testing. Allele origin: germline.
Comment: This sequence change creates a premature translational stop signal (p.Arg536Valfs*26) in the DICER1 gene. It is expected to result in an absent or disrupted protein product. Loss-of-function variants in DICER1 are known to be pathogenic (PMID: 19556464, 21266384). This variant is not present in population databases (gnomAD no frequency). This variant has not been reported in the literature in individuals affected with DICER1-related conditions. For these reasons, this variant has been classified as Pathogenic.

Literature cited by the submitters: PubMed 19556464; PubMed 21266384.